The following is an entry in ClinVar:

NM_005716.4(GIPC1):c.-175+17A>C

Gene: GIPC1 (GIPC PDZ domain containing family member 1; minus strand). Cytogenetic location: 19p13.12.
Variant type: single nucleotide variant.
Coding change: c.-175+17A>C on transcript NM_005716.4 (MANE Select); 17 bases into the intron after 175 bases upstream of the start codon, A replaced by C.
Molecular consequence: intron variant.
Genome position (GRCh38, 1-based): chr19:14,496,020, T>G on the plus strand (A>C on the coding strand, the complement: GIPC1 is on the minus strand). VCF-style: chr19-14496020-T-G. GRCh37 (hg19) VCF-style: chr19-14606832-T-G.
Other names: c.-4+17A>C (NM_202494.3); c.-31+17A>C (NM_202470.3); c.-92+17A>C (NM_202469.3); c.-119+17A>C (NM_202468.3).
Identifiers: ClinVar variation 3770840 (VCV003770840.13).

ClinVar aggregate classification (germline): Benign (1 of 4 stars; one submission).

gnomAD v4.1: 99 of 224,710 alleles (0.044%); highest among the groups gnomAD compares: African/African-American, 0.23%; 1 homozygote.

Submission:

CeGaT Center for Human Genetics Tuebingen
Classification: Benign. Last evaluated: 2025-02-01. Review status: criteria provided, single submitter. Criteria: CeGaT Center For Human Genetics Tuebingen Variant Classification Criteria Version 2. Collection method: clinical testing. Allele origin: germline. Affected: yes. Observed: 1 variant allele.
Comment: GIPC1: BS1, BS2